The following is an entry in ClinVar:

NM_152513.4(MEI1):c.169G>C (p.Val57Leu)

Gene: MEI1 (meiotic double-stranded break formation protein 1; plus strand). Cytogenetic location: 22q13.2.
Variant type: single nucleotide variant.
Coding change: c.169G>C on transcript NM_152513.4 (MANE Select); coding-DNA position 169, G replaced by C.
Protein change: p.Val57Leu; replaces valine 57 with leucine.
Molecular consequence: missense variant.
Genome position (GRCh38, 1-based): chr22:41,699,707, G>C. VCF-style: chr22-41699707-G-C. GRCh37 (hg19) VCF-style: chr22-42095711-G-C.
Other names: short protein forms V57L.
Identifiers: ClinVar variation 3038177 (VCV003038177.2), dbSNP rs191014345, ClinGen allele CA10259769.

ClinVar aggregate classification (germline): Benign (0 of 4 stars; one submission).

Conditions:
MEI1-related disorder. Also called: MEI1-related condition.

Allele frequency attached by ClinVar (database versions not stated): ESP Exome Variant Server 0.00662; gnomAD 0.01625; TOPMed 0.01911; 1000 Genomes Project 30x 0.02889; 1000 Genomes Project 0.03095; ExAC 0.03421.
gnomAD v4.1: 20,710 of 1,570,484 alleles (1.3%); highest among the groups gnomAD compares: Admixed American, 6.6%; 344 homozygotes.

Submission:

PreventionGenetics, part of Exact Sciences
Classification: Benign for MEI1-related condition. Last evaluated: 2019-02-22. Review status: no assertion criteria provided. Collection method: clinical testing. Allele origin: germline.
Comment: This variant is classified as benign based on ACMG/AMP sequence variant interpretation guidelines (Richards et al. 2015 PMID: 25741868, with internal and published modifications).